The following is an entry in ClinVar:

ClinVar aggregate classification (germline): Likely benign (0 of 4 stars; one submission).

Conditions:
PLXNA4-related disorder. Also called: PLXNA4-related condition.

Allele frequency attached by ClinVar (database versions not stated): gnomAD exomes below 0.00001.
gnomAD v4.1: 5 of 1,585,750 alleles (0.00032%); highest among the groups gnomAD compares: Non-Finnish European, 0.00043%; no homozygotes.

Submission:

PreventionGenetics, part of Exact Sciences
Classification: Likely benign for PLXNA4-related condition. Last evaluated: 2021-11-12. Review status: no assertion criteria provided. Collection method: clinical testing. Allele origin: germline.
Comment: This variant is classified as likely benign based on ACMG/AMP sequence variant interpretation guidelines (Richards et al. 2015 PMID: 25741868, with internal and published modifications).

NM_020911.2(PLXNA4):c.1347C>T (p.Gly449=)

Gene: PLXNA4 (plexin A4; minus strand). Cytogenetic location: 7q32.3.
Variant type: single nucleotide variant.
Coding change: c.1347C>T on transcript NM_020911.2 (MANE Select); coding-DNA position 1347, C replaced by T.
Protein change: p.Gly449=; no amino-acid change (glycine 449 retained).
Molecular consequence: synonymous variant.
Genome position (GRCh38, 1-based): chr7:132,489,316, G>A on the plus strand (C>T on the coding strand, the complement: PLXNA4 is on the minus strand). VCF-style: chr7-132489316-G-A. GRCh37 (hg19) VCF-style: chr7-132174075-G-A.
Other names: c.1347C>T, p.Gly449= (NM_001105543.2, NM_001393897.1, NM_181775.4).
Identifiers: ClinVar variation 3029657 (VCV003029657.2), dbSNP rs1797687223, ClinGen allele CA457839034.
Genomic context (GRCh38, chr7:132,489,316, plus strand): 5'-TTCACAGTAACCAAAAGTACTGCACCTCATTCCTACCTTCTTCAGCTTGCCACTTTTGGT[G>A]CCCACAAAGGCCAGAGAGTGGTTCTTGTAGACATATGCGATGACAGACGTCATGCGGTCC-3'
Protein context (NP_065962.1, residues 439-459): VYKNHSLAFV[Gly449=]TKSGKLKKIR